The following is an entry in ClinVar:

ClinVar aggregate classification (germline): Conflicting classifications of pathogenicity. Review status: criteria provided, conflicting classifications (1 of 4 stars). 9 submissions from 9 submitters: Pathogenic (1); Likely pathogenic (4); Uncertain significance (2). 2 of the submissions do not count toward it. Last evaluated 2026-07-06.

Conditions:
CLN6-related disorder. Also called: CLN6-related condition.
Inborn genetic diseases. Identifiers: MedGen C0950123, MeSH D030342.
Neuronal ceroid lipofuscinosis. Also called: Neuronal Ceroid Lipofuscinoses. Identifiers: Orphanet 216, Orphanet 79263, MedGen C0027877, MONDO:0016295. Disease mechanism: loss of function.
Ceroid lipofuscinosis, neuronal, 6A. Also called: Neuronal ceroid lipofuscinosis, late infantile, variant; Neuronal ceroid lipofuscinosis, Gypsy/Indian early juvenile variant; Neuronal ceroid lipofuscinosis 6; CLN6-Related Neuronal Ceroid-Lipofuscinosis. Identifiers: Orphanet 168491, Orphanet 228363, MedGen C5551375, MONDO:0011144, OMIM 601780.

Allele frequency attached by ClinVar (database versions not stated): gnomAD 0.00003; TOPMed 0.00002.

Submissions (9):

Ambry Genetics
Classification: Likely pathogenic for Inborn genetic diseases. Last evaluated: 2026-07-06. Review status: criteria provided, single submitter. Criteria: Ambry Variant Classification Scheme 2023. Collection method: clinical testing. Allele origin: germline.
Comment: The c.13C>T (p.R5W) alteration is located in exon 1 (coding exon 1) of the CLN6 gene. This alteration results from a C to T substitution at nucleotide position 13, causing the arginine (R) at amino acid position 5 to be replaced by a tryptophan (W). Based on data from gnomAD, the T allele has an overall frequency of 0.004% (4/111622) total alleles studied. The highest observed frequency was 0.029% (1/3434) of Other alleles. This variant has been identified in the homozygous state and/or in conjunction with other CLN6 variant(s) in individual(s) with features consistent with CLN6-related neuronal ceroid lipofuscinosis; in at least one instance, the variants were identified in trans (Vairo, 2017; Talbot, 2020). This amino acid position is highly conserved in available vertebrate species. This alteration is predicted to be deleterious by in silico analysis. Based on the available evidence, this alteration is classified as likely pathogenic.

PreventionGenetics, part of Exact Sciences
Classification: Uncertain significance for CLN6-related condition. Last evaluated: 2026-05-14. Review status: criteria provided, single submitter. Criteria: ACMG Guidelines, 2015. Collection method: clinical testing. Allele origin: germline.
Comment: The CLN6 c.13C>T variant is predicted to result in the amino acid substitution p.Arg5Trp. This variant has been reported in the compound heterozygous state in individuals with neuronal ceroid lipofuscinosis (NCL) (Talbot et al. 2020. PubMed ID: 33024953; Vairo et al. 2017. PubMed ID: 28831385). This variant is reported in 0.010% of alleles in individuals of African descent in gnomAD; however, the coverage of this variant should be interpreted with caution. This variant has conflicting classifications in ClinVar ranging from uncertain to pathogenic (Variation ID: 457969). Although we suspect that this variant may be pathogenic, at this time, the clinical significance of this variant is uncertain due to the absence of conclusive functional and genetic evidence.

Labcorp Genetics (formerly Invitae), Labcorp
Classification: Pathogenic for Neuronal ceroid lipofuscinosis. Last evaluated: 2025-09-08. Review status: criteria provided, single submitter. Criteria: Invitae Variant Classification Sherloc (09022015). Collection method: clinical testing. Allele origin: germline.
Comment: This sequence change replaces arginine, which is basic and polar, with tryptophan, which is neutral and slightly polar, at codon 5 of the CLN6 protein (p.Arg5Trp). The frequency data for this variant in the population databases is considered unreliable, as metrics indicate poor data quality at this position in the gnomAD database. This missense change has been observed in individual(s) with neuronal ceroid lipofuscinosis (PMID: 21990111, 28831385, 33024953). In at least one individual the data is consistent with being in trans (on the opposite chromosome) from a pathogenic variant. It has also been observed to segregate with disease in related individuals. ClinVar contains an entry for this variant (Variation ID: 457969). Invitae Evidence Modeling of protein sequence and biophysical properties (such as structural, functional, and spatial information, amino acid conservation, physicochemical variation, residue mobility, and thermodynamic stability) indicates that this missense variant is not expected to disrupt CLN6 protein function with a negative predictive value of 80%. For these reasons, this variant has been classified as Pathogenic.

GeneDx
Classification: Likely pathogenic. Last evaluated: 2025-09-02. Review status: criteria provided, single submitter. Criteria: GeneDx Variant Classification Process June 2021. Collection method: clinical testing. Allele origin: germline.
Comment: Not observed at significant frequency in large population cohorts (gnomAD); In silico analysis supports that this missense variant has a deleterious effect on protein structure/function; This variant is associated with the following publications: (PMID: 33144682, 21990111, 33024953, 28831385)

Natera, Inc.
Classification: Likely pathogenic for Ceroid lipofuscinosis, neuronal, 6A. Last evaluated: 2025-07-23. Review status: criteria provided, single submitter. Criteria: Natera Variant Classification Schema (03/2026). Collection method: clinical testing. Allele origin: germline.
Comment: The c.13C>T variant in CLN6 is a missense variant predicted to cause substitution of arginine to tryptophan at amino acid 5. This variant is rare in the general population with a frequency below the threshold expected for the associated phenotype(s). This variant has been observed in one or more individuals affected with the associated recessive disease, as either homozygous or compound heterozygous with a second variant (PMID: 33024953, 28831385). This variant has been identified in one or more affected individuals with a phenotype highly consistent with the associated gene (PMID: 33024953, 28831385). Computational prediction algorithms indicate this variant is likely to affect gene or protein function. Given the available evidence, this variant is classified as Likely Pathogenic.

Clinical Genomics Laboratory, Washington University in St. Louis
Classification: Likely pathogenic for Ceroid lipofuscinosis, neuronal, 6A. Last evaluated: 2023-12-26. Review status: criteria provided, single submitter. Criteria: ACMG Guidelines, 2015. Collection method: clinical testing. Allele origin: germline. Affected: yes.
Comment: The CLN6 c.13C>T (p.Arg5Trp) variant has been reported in at least two unrelated individuals or families affected with Batten disease and is reported to segregate with disease in one family (Talbot J et al., PMID: 33024953; Vairo FP et al., PMID: 28831385). In all reported affected individuals, this variant was detected in trans to distinct pathogenic variants including one frameshift variant (Talbot J et al., PMID: 33024953; Vairo FP et al., PMID: 28831385). This variant has been reported in the ClinVar database as a germline variant of uncertain significance by four submitters. This variant is only observed on 4/111,622 alleles in the general population (gnomAD v.2.1.1), indicating it is not a common variant. This variant occurs in one of three arginines in a row that are required for endoplasmic reticulum targeting (Heine C et al., PMID: 17453415) and computational predictors indicate that the variant is damaging, evidence that correlates with impact to CLN6 function. Based on available information and the ACMG/AMP guidelines for variant interpretation (Richards S et al., PMID: 25741868), this variant is classified as likely pathogenic.

Women's Health and Genetics/Laboratory Corporation of America, LabCorp
Classification: Uncertain significance. Last evaluated: 2023-08-31. Review status: criteria provided, single submitter. Criteria: LabCorp Variant Classification Summary - May 2015. Collection method: clinical testing. Allele origin: germline.
Comment: Variant summary: CLN6 c.13C>T (p.Arg5Trp) results in a non-conservative amino acid change in the encoded protein sequence. Four of five in-silico tools predict a damaging effect of the variant on protein function. The variant allele was found at a frequency of 2.5e-05 in 80612 control chromosomes (gnomAD). c.13C>T has been reported in the literature in the compound heterozygous state together with a VUS in three siblings with clinical features of Neuronal Ceroid-Lipofuscinosis (Batten Disease) (Vairo_2017), in trans with a pathogenic variant an individual who underwent whole genome sequencing, confirming a diagnosis of Kufs disease/Neuronal Ceroid-Lipofuscinosis (Talbot_2020), and in the heterozygous state in at least one other affected individual (Kousi_2012). These data suggest the variant may be associated with disease. To our knowledge, no experimental evidence demonstrating an impact on protein function has been reported. The following publications have been ascertained in the context of this evaluation (PMID: 21990111, 33024953, 28831385). Three submitters have cited clinical-significance assessments for this variant to ClinVar after 2014. All submitters classified the variant as uncertain significance. Based on the evidence outlined above, the variant was classified as VUS-possibly pathogenic.

Mayo Clinic Laboratories, Mayo Clinic
Classification: Uncertain significance. Last evaluated: 2017-06-07. Review status: no assertion criteria provided. Collection method: clinical testing. Allele origin: unknown. Not counted in ClinVar's aggregate classification.

Counsyl
Classification: Uncertain significance for Ceroid lipofuscinosis, neuronal, 6A. Last evaluated: 2017-02-08. Review status: no assertion criteria provided. Collection method: clinical testing. Allele origin: unknown. Not counted in ClinVar's aggregate classification.

Literature cited by the submitters: PubMed 28831385 (cited by 4 submitters); PubMed 33024953 (cited by 4 submitters); PubMed 21990111 (cited by 3 submitters).

NM_017882.3(CLN6):c.13C>T (p.Arg5Trp)

Gene: CLN6 (CLN6 transmembrane ER protein; minus strand). Cytogenetic location: 15q23.
Variant type: single nucleotide variant.
Coding change: c.13C>T on transcript NM_017882.3 (MANE Select); coding-DNA position 13, C replaced by T.
Protein change: p.Arg5Trp; replaces arginine 5 with tryptophan.
Molecular consequence: missense variant.
Genome position (GRCh38, 1-based): chr15:68,229,572, G>A on the plus strand (C>T on the coding strand, the complement: CLN6 is on the minus strand). VCF-style: chr15-68229572-G-A. GRCh37 (hg19) VCF-style: chr15-68521910-G-A.
Other names: short protein forms R5W.
Identifiers: ClinVar variation 457969 (VCV000457969.21), dbSNP rs886285802, ClinGen allele CA272398366.